The following is an entry in ClinVar:

ClinVar aggregate classification (germline): Likely benign (1 of 4 stars; one submission).

Allele frequency attached by ClinVar (database versions not stated): TOPMed 0.00511; ESP Exome Variant Server 0.00521; ExAC 0.00645; gnomAD exomes 0.00752; 1000 Genomes Project 30x 0.00297; 1000 Genomes Project 0.00339; gnomAD 0.00508.
gnomAD v4.1: 11,782 of 1,613,912 alleles (0.73%); highest among the groups gnomAD compares: East Asian, 1.1%; 63 homozygotes.

Submission:

CeGaT Center for Human Genetics Tuebingen
Classification: Likely benign. Last evaluated: 2023-04-01. Review status: criteria provided, single submitter. Criteria: CeGaT Center For Human Genetics Tuebingen Variant Classification Criteria Version 2. Collection method: clinical testing. Allele origin: germline. Affected: yes. Observed: 1 variant allele.
Comment: BRD10: BP4, BP7, BS2

NM_001017969.3(BRD10):c.963A>G (p.Pro321=)

Gene: BRD10 (bromodomain containing 10; minus strand). Cytogenetic location: 9p24.1.
Variant type: single nucleotide variant.
Coding change: c.963A>G on transcript NM_001017969.3 (MANE Select); coding-DNA position 963, A replaced by G.
Protein change: p.Pro321=; no amino-acid change (proline 321 retained).
Molecular consequence: synonymous variant.
Genome position (GRCh38, 1-based): chr9:5,969,268, T>C on the plus strand (A>G on the coding strand, the complement: BRD10 is on the minus strand). VCF-style: chr9-5969268-T-C. GRCh37 (hg19) VCF-style: chr9-5969268-T-C.
Identifiers: ClinVar variation 2659058 (VCV002659058.23), dbSNP rs149472002, ClinGen allele CA4977814.
Genomic context (GRCh38, chr9:5,969,268, plus strand): 5'-TAGAAAAGCATTACACTGAGGCATCAGAAGACAACGTTCCAATTCGTAAAAGACTATTTC[T>C]GGCAAATTTAGAATTTGCTGAGCTAAACAAAGGAAATGCCCAATAGCTGGAATTTCCCAC-3'
Protein context (NP_001017969.2, residues 311-331): LCLAQQILNL[Pro321=]EIVFYELERC